The following is an entry in ClinVar:

NC_000007.14:g.263644G>A

Variant type: single nucleotide variant.
Genome position: GRCh38 VCF-style: chr7-263644-G-A. GRCh37 (hg19) VCF-style: chr7-303610-G-A.
Identifiers: ClinVar variation 3898364 (VCV003898364.7).

ClinVar aggregate classification (germline): Likely benign (1 of 4 stars; one submission).

Submission:

CeGaT Center for Human Genetics Tuebingen
Classification: Likely benign. Last evaluated: 2025-04-01. Review status: criteria provided, single submitter. Criteria: CeGaT Center For Human Genetics Tuebingen Variant Classification Criteria Version 2. Collection method: clinical testing. Allele origin: germline. Affected: yes. Observed: 1 variant allele.
Comment: AC187652.1: PM2:Supporting, BP4, BP7